The following is an entry in ClinVar:

ClinVar aggregate classification (germline): Uncertain significance (1 of 4 stars; one submission).

Conditions:
CHARGE syndrome (CHARGE). Also called: Hittner Hirsch Kreh syndrome; CHARGE ASSOCIATION--COLOBOMA, HEART ANOMALY, CHOANAL ATRESIA, RETARDATION, GENITAL AND EAR ANOMALIES; Coloboma, heart anomaly, choanal atresia, retardation, genital and ear anomalies; CHARGE association; Hall-Hittner syndrome. Identifiers: Orphanet 138, MedGen C0265354, MONDO:0008965.

Submission:

Labcorp Genetics (formerly Invitae), Labcorp
Classification: Uncertain significance for CHARGE syndrome. Last evaluated: 2022-12-24. Review status: criteria provided, single submitter. Criteria: Invitae Variant Classification Sherloc (09022015). Collection method: clinical testing. Allele origin: germline.
Comment: In summary, the available evidence is currently insufficient to determine the role of this variant in disease. Therefore, it has been classified as a Variant of Uncertain Significance. Advanced modeling of protein sequence and biophysical properties (such as structural, functional, and spatial information, amino acid conservation, physicochemical variation, residue mobility, and thermodynamic stability) performed at Invitae indicates that this missense variant is not expected to disrupt CHD7 protein function. ClinVar contains an entry for this variant (Variation ID: 836481). This variant has not been reported in the literature in individuals affected with CHD7-related conditions. This variant is not present in population databases (gnomAD no frequency). This sequence change replaces methionine, which is neutral and non-polar, with isoleucine, which is neutral and non-polar, at codon 210 of the CHD7 protein (p.Met210Ile).

NM_017780.4(CHD7):c.630G>C (p.Met210Ile)

Gene: CHD7 (chromodomain helicase DNA binding protein 7; plus strand). Cytogenetic location: 8q12.2.
Variant type: single nucleotide variant.
Coding change: c.630G>C on transcript NM_017780.4 (MANE Select); coding-DNA position 630, G replaced by C.
Protein change: p.Met210Ile; replaces methionine 210 with isoleucine.
Molecular consequence: missense variant.
Genome position (GRCh38, 1-based): chr8:60,742,062, G>C. VCF-style: chr8-60742062-G-C. GRCh37 (hg19) VCF-style: chr8-61654621-G-C.
Other names: c.630G>C, p.Met210Ile (NM_001316690.1); short protein forms M210I.
Identifiers: ClinVar variation 836481 (VCV000836481.9), dbSNP rs560742342, ClinGen allele CA371298512.